The following is an entry in ClinVar:

ClinVar aggregate classification (germline): Uncertain significance (1 of 4 stars; one submission).

Conditions:
Epileptic encephalopathy. Identifiers: MedGen C0543888, HP:0200134.

Submission:

Labcorp Genetics (formerly Invitae), Labcorp
Classification: Uncertain significance for Epileptic encephalopathy. Last evaluated: 2025-07-30. Review status: criteria provided, single submitter. Criteria: Invitae Variant Classification Sherloc (09022015). Collection method: clinical testing. Allele origin: germline.
Comment: This sequence change replaces threonine, which is neutral and polar, with isoleucine, which is neutral and non-polar, at codon 105 of the FASN protein (p.Thr105Ile). This variant is not present in population databases (gnomAD no frequency). This variant has not been reported in the literature in individuals affected with FASN-related conditions. ClinVar contains an entry for this variant (Variation ID: 1043011). An algorithm developed to predict the effect of missense changes on protein structure and function (PolyPhen-2) suggests that this variant is likely to be disruptive. In summary, the available evidence is currently insufficient to determine the role of this variant in disease. Therefore, it has been classified as a Variant of Uncertain Significance.

NM_004104.5(FASN):c.314C>T (p.Thr105Ile)

Gene: FASN (fatty acid synthase; minus strand). Cytogenetic location: 17q25.3.
Variant type: single nucleotide variant.
Coding change: c.314C>T on transcript NM_004104.5 (MANE Select); coding-DNA position 314, C replaced by T.
Protein change: p.Thr105Ile; replaces threonine 105 with isoleucine.
Molecular consequence: missense variant.
Genome position (GRCh38, 1-based): chr17:82,093,738, G>A on the plus strand (C>T on the coding strand, the complement: FASN is on the minus strand). VCF-style: chr17-82093738-G-A. GRCh37 (hg19) VCF-style: chr17-80051614-G-A.
Other names: short protein forms T105I.
Identifiers: ClinVar variation 1043011 (VCV001043011.8), dbSNP rs2034256259, ClinGen allele CA401565263.